The following is an entry in ClinVar:

ClinVar aggregate classification (germline): Uncertain significance (1 of 4 stars; one submission).

Conditions:
Early-infantile DEE. Also called: Early infantile epileptic encephalopathy with suppression bursts; Early infantile epileptic encephalopathy; Ohtahara syndrome. Identifiers: Orphanet 1934, MedGen C0393706, MONDO:0800491.

Submission:

Labcorp Genetics (formerly Invitae), Labcorp
Classification: Uncertain significance for Early-infantile DEE. Last evaluated: 2025-11-05. Review status: criteria provided, single submitter. Criteria: Invitae Variant Classification Sherloc (09022015). Collection method: clinical testing. Allele origin: germline.
Comment: This sequence change falls in intron 13 of the SCN1A gene. It does not directly change the encoded amino acid sequence of the SCN1A protein. This variant is not present in population databases (gnomAD no frequency). This variant has not been reported in the literature in individuals affected with SCN1A-related conditions. Algorithms developed to predict the effect of sequence changes on RNA splicing suggest that this variant may create or strengthen a splice site. In summary, the available evidence is currently insufficient to determine the role of this variant in disease. Therefore, it has been classified as a Variant of Uncertain Significance.

NM_001165963.4(SCN1A):c.2415+7del

Gene: SCN1A (sodium voltage-gated channel alpha subunit 1; minus strand). Cytogenetic location: 2q24.3.
Variant type: Deletion.
Coding change: c.2415+7del on transcript NM_001165963.4 (MANE Select); 7 bases into the intron after coding-DNA position 2415, one base deleted (A; older notation c.2415+7delA).
Molecular consequence: intron variant. On other transcripts: 5 prime UTR variant (1).
Genome position (GRCh38, 1-based): chr2:166,041,224, T deleted on the plus strand (A on the coding strand, the reverse complement: SCN1A is on the minus strand). VCF-style (leftmost placement, unchanged base first): chr2-166041223-AT-A. GRCh37 (hg19) VCF-style: chr2-166897733-AT-A.
Other names: c.-37del (NM_001353961.2); c.2382+7del (NM_001353949.2, NM_001353950.2, NM_001353951.2 and 2 more transcripts); c.2331+7del (NM_001353958.2, NM_001353957.2, NM_001165964.3); c.2415+7del (NM_001202435.3, NM_001353948.2); c.2379+7del (NM_001353955.2, NM_001353954.2); c.2328+7del (NM_001353960.2).
Identifiers: ClinVar variation 4726202 (VCV004726202.1).
Genomic context (GRCh38, chr2:166,041,223, plus strand): 5'-TTAAATGTAAACAGTTTTTCAAGCAGAAAATTTGAAGACTAAACACATTTACCTTCCAAT[AT>A]GCTTACCAAGTTTCCTACTGTAAGCACATTATTGAAATGGTCCGTCATTGGATAGTGCTC-3'